The following is an entry in ClinVar:

NM_018979.4(WNK1):c.50T>A (p.Phe17Tyr)

Gene: WNK1 (WNK lysine deficient protein kinase 1; plus strand). Cytogenetic location: 12p13.33.
Variant type: single nucleotide variant.
Coding change: c.50T>A on transcript NM_018979.4 (MANE Select); coding-DNA position 50, T replaced by A.
Protein change: p.Phe17Tyr; replaces phenylalanine 17 with tyrosine.
Molecular consequence: missense variant.
Genome position (GRCh38, 1-based): chr12:753,615, T>A. VCF-style: chr12-753615-T-A. GRCh37 (hg19) VCF-style: chr12-862781-T-A.
Other names: c.50T>A, p.Phe17Tyr (NM_001184985.2, NM_014823.3, NM_213655.5); short protein forms F17Y.
Identifiers: ClinVar variation 2931387 (VCV002931387.3), dbSNP rs1451142227, ClinGen allele CA383303462.
Genomic context (GRCh38, chr12:753,615, plus strand): 5'-GCGAACCGACCATGTCTGGCGGCGCCGCAGAGAAGCAGAGCAGCACTCCCGGTTCCCTGT[T>A]CCTCTCGCCGCCGGCTCCTGCCCCCAAGAATGGCTCCAGCTCCGATTCCTCCGTGGGGGA-3'
Protein context (NP_061852.3, residues 7-27): EKQSSTPGSL[Phe17Tyr]LSPPAPAPKN

ClinVar aggregate classification (germline): Uncertain significance (1 of 4 stars; one submission).

Conditions:
Neuropathy, hereditary sensory and autonomic, type 2A (HSAN2A). Also called: ACROOSTEOLYSIS, GIACCAI TYPE; ACROOSTEOLYSIS, NEUROGENIC; MORVAN DISEASE; NEUROPATHY, CONGENITAL SENSORY; NEUROPATHY, HEREDITARY SENSORY RADICULAR, AUTOSOMAL RECESSIVE; NEUROPATHY, HEREDITARY SENSORY, TYPE IIA. Identifiers: Orphanet 970, MedGen C2752089, MONDO:0024309, OMIM 201300.
Pseudohypoaldosteronism type 2C (PHA2C). Also called: Pseudohypoaldosteronism Type IIC. Identifiers: Orphanet 757, Orphanet 88940, MedGen C1840391, MONDO:0013778, OMIM 614492.

Submission:

Labcorp Genetics (formerly Invitae), Labcorp
Classification: Uncertain significance for Neuropathy, hereditary sensory and autonomic, type 2A; Pseudohypoaldosteronism type 2C. Last evaluated: 2022-11-20. Review status: criteria provided, single submitter. Criteria: Invitae Variant Classification Sherloc (09022015). Collection method: clinical testing. Allele origin: germline.
Comment: In summary, the available evidence is currently insufficient to determine the role of this variant in disease. Therefore, it has been classified as a Variant of Uncertain Significance. This sequence change replaces phenylalanine, which is neutral and non-polar, with tyrosine, which is neutral and polar, at codon 17 of the WNK1 protein (p.Phe17Tyr). This variant is not present in population databases (gnomAD no frequency). This variant has not been reported in the literature in individuals affected with WNK1-related conditions. Advanced modeling of protein sequence and biophysical properties (such as structural, functional, and spatial information, amino acid conservation, physicochemical variation, residue mobility, and thermodynamic stability) performed at Invitae indicates that this missense variant is not expected to disrupt WNK1 protein function.